The following is an entry in ClinVar:

ClinVar aggregate classification (germline): Uncertain significance (1 of 4 stars; one submission).

Conditions:
Neuroblastoma, susceptibility to, 3. Also called: ALK-Related Neuroblastic Tumor Susceptibility. Identifiers: Orphanet 635, MedGen C2751681, MONDO:0013083, OMIM 613014.

Submission:

Labcorp Genetics (formerly Invitae), Labcorp
Classification: Uncertain significance for Neuroblastoma, susceptibility to, 3. Last evaluated: 2024-03-14. Review status: criteria provided, single submitter. Criteria: Invitae Variant Classification Sherloc (09022015). Collection method: clinical testing. Allele origin: germline.
Comment: This sequence change replaces leucine, which is neutral and non-polar, with valine, which is neutral and non-polar, at codon 101 of the ALK protein (p.Leu101Val). This variant is not present in population databases (gnomAD no frequency). This variant has not been reported in the literature in individuals affected with ALK-related conditions. An algorithm developed to predict the effect of missense changes on protein structure and function (PolyPhen-2) suggests that this variant is likely to be tolerated. In summary, the available evidence is currently insufficient to determine the role of this variant in disease. Therefore, it has been classified as a Variant of Uncertain Significance.

NM_004304.5(ALK):c.301T>G (p.Leu101Val)

Gene: ALK (ALK receptor tyrosine kinase; minus strand). Cytogenetic location: 2p23.1.
Variant type: single nucleotide variant.
Coding change: c.301T>G on transcript NM_004304.5 (MANE Select); coding-DNA position 301, T replaced by G.
Protein change: p.Leu101Val; replaces leucine 101 with valine.
Molecular consequence: missense variant.
Genome position (GRCh38, 1-based): chr2:29,920,359, A>C on the plus strand (T>G on the coding strand, the complement: ALK is on the minus strand). VCF-style: chr2-29920359-A-C. GRCh37 (hg19) VCF-style: chr2-30143225-A-C.
Other names: short protein forms L101V.
Identifiers: ClinVar variation 3645891 (VCV003645891.2).